The following is an entry in ClinVar:

NM_024514.5(CYP2R1):c.744A>C (p.Arg248Ser)

Genes: CYP2R1 (cytochrome P450 family 2 subfamily R member 1; minus strand), PDE3B (phosphodiesterase 3B; plus strand). Cytogenetic location: 11p15.2.
Variant type: single nucleotide variant.
Coding change: c.744A>C on transcript NM_024514.5 (MANE Select); coding-DNA position 744, A replaced by C.
Protein change: p.Arg248Ser; replaces arginine 248 with serine.
Molecular consequence: missense variant. On other transcripts: non-coding transcript variant (6), intron variant (5).
Genome position (GRCh38, 1-based): chr11:14,880,392, T>G on the plus strand (A>C on the coding strand, the complement: CYP2R1 is on the minus strand). VCF-style: chr11-14880392-T-G. GRCh37 (hg19) VCF-style: chr11-14901938-T-G.
Other names: c.744A>C (NM_024514.4); c.399A>C, p.Arg133Ser (NM_001377214.1, NM_001377215.1, NM_001377216.1 and 5 more transcripts); c.582A>C, p.Arg194Ser (NM_001377217.1); c.600A>C, p.Arg200Ser (NM_001400567.1); c.699A>C, p.Arg233Ser (NM_001400568.1); c.23-949A>C (NM_001400566.1); c.78-33A>C (NM_001400562.1, NM_001400564.1, NM_001400565.1 and 1 more transcripts); short protein forms R200S, R233S, R248S, R133S, R194S.
Identifiers: ClinVar variation 1918882 (VCV001918882.6), dbSNP rs898883880, ClinGen allele CA217921674.

ClinVar aggregate classification (germline): Uncertain significance. Review status: criteria provided, multiple submitters, no conflicts (2 of 4 stars). 2 submissions from 2 submitters: Uncertain significance (2). Last evaluated 2025-08-04.

Allele frequency attached by ClinVar (database versions not stated): gnomAD 0.00001; TOPMed 0.00001; gnomAD exomes 0.00004.
gnomAD v4.1: 64 of 1,613,336 alleles (0.004%); highest among the groups gnomAD compares: Non-Finnish European, 0.005%; no homozygotes.

Submissions (2):

Ambry Genetics
Classification: Uncertain significance. Last evaluated: 2025-08-04. Review status: criteria provided, single submitter. Criteria: Ambry Variant Classification Scheme 2023. Collection method: clinical testing. Allele origin: germline.

Labcorp Genetics (formerly Invitae), Labcorp
Classification: Uncertain significance. Last evaluated: 2022-09-12. Review status: criteria provided, single submitter. Criteria: Invitae Variant Classification Sherloc (09022015). Collection method: clinical testing. Allele origin: germline.
Comment: In summary, the available evidence is currently insufficient to determine the role of this variant in disease. Therefore, it has been classified as a Variant of Uncertain Significance. Algorithms developed to predict the effect of missense changes on protein structure and function are either unavailable or do not agree on the potential impact of this missense change (SIFT: "Deleterious"; PolyPhen-2: "Benign"; Align-GVGD: "Class C0"). This variant has not been reported in the literature in individuals affected with CYP2R1-related conditions. This variant is not present in population databases (gnomAD no frequency). This sequence change replaces arginine, which is basic and polar, with serine, which is neutral and polar, at codon 248 of the CYP2R1 protein (p.Arg248Ser).